The following is an entry in ClinVar:

ClinVar aggregate classification (germline): Uncertain significance (1 of 4 stars; one submission).

Conditions:
Neuronal ceroid lipofuscinosis. Also called: Neuronal Ceroid Lipofuscinoses. Identifiers: Orphanet 216, Orphanet 79263, MedGen C0027877, MONDO:0016295. Disease mechanism: loss of function.

Allele frequency attached by ClinVar (database versions not stated): gnomAD exomes 0.00001.

Submission:

Labcorp Genetics (formerly Invitae), Labcorp
Classification: Uncertain significance for Neuronal ceroid lipofuscinosis. Last evaluated: 2022-06-30. Review status: criteria provided, single submitter. Criteria: Invitae Variant Classification Sherloc (09022015). Collection method: clinical testing. Allele origin: germline.
Comment: This sequence change replaces glycine, which is neutral and non-polar, with alanine, which is neutral and non-polar, at codon 11 of the CLN6 protein (p.Gly11Ala). This variant is not present in population databases (gnomAD no frequency). This variant has not been reported in the literature in individuals affected with CLN6-related conditions. ClinVar contains an entry for this variant (Variation ID: 954061). Algorithms developed to predict the effect of missense changes on protein structure and function (SIFT, PolyPhen-2, Align-GVGD) all suggest that this variant is likely to be tolerated. In summary, the available evidence is currently insufficient to determine the role of this variant in disease. Therefore, it has been classified as a Variant of Uncertain Significance.

NM_017882.3(CLN6):c.32G>C (p.Gly11Ala)

Gene: CLN6 (CLN6 transmembrane ER protein; minus strand). Cytogenetic location: 15q23.
Variant type: single nucleotide variant.
Coding change: c.32G>C on transcript NM_017882.3 (MANE Select); coding-DNA position 32, G replaced by C.
Protein change: p.Gly11Ala; replaces glycine 11 with alanine.
Molecular consequence: missense variant.
Genome position (GRCh38, 1-based): chr15:68,229,553, C>G on the plus strand (G>C on the coding strand, the complement: CLN6 is on the minus strand). VCF-style: chr15-68229553-C-G. GRCh37 (hg19) VCF-style: chr15-68521891-C-G.
Other names: short protein forms G11A.
Identifiers: ClinVar variation 954061 (VCV000954061.4), dbSNP rs2093262694, ClinGen allele CA392978238.